The following is an entry in ClinVar:

NM_138425.4(C12orf57):c.29C>T (p.Ala10Val)

Gene: C12orf57 (chromosome 12 open reading frame 57; plus strand). Cytogenetic location: 12p13.31.
Variant type: single nucleotide variant.
Coding change: c.29C>T on transcript NM_138425.4 (MANE Select); coding-DNA position 29, C replaced by T.
Protein change: p.Ala10Val; replaces alanine 10 with valine.
Molecular consequence: missense variant. On other transcripts: 5 prime UTR variant (1), non-coding transcript variant (1), intron variant (1).
Genome position (GRCh38, 1-based): chr12:6,944,150, C>T. VCF-style: chr12-6944150-C-T. GRCh37 (hg19) VCF-style: chr12-7053313-C-T.
Other names: c.29C>T, p.Ala10Val (NM_001301834.1, NM_001301837.2); c.-173C>T (NM_001301838.2); c.14-326C>T (NM_001301836.2); short protein forms A10V.
Identifiers: ClinVar variation 966252 (VCV000966252.5), dbSNP rs1401197297, ClinGen allele CA383744178.

ClinVar aggregate classification (germline): Uncertain significance (1 of 4 stars; one submission).

Conditions:
Temtamy syndrome (TEMTYS). Also called: MENTAL RETARDATION WITH OR WITHOUT CRANIOFACIAL DYSMORPHISM, OCULAR COLOBOMA, OR ABNORMAL CORPUS CALLOSUM. Identifiers: Orphanet 1777, MedGen C1857512, MONDO:0009033, OMIM 218340.

Allele frequency attached by ClinVar (database versions not stated): gnomAD 0.00001; gnomAD exomes 0.00001; TOPMed 0.00001.
gnomAD v4.1: 16 of 1,614,106 alleles (0.00099%); highest among the groups gnomAD compares: African/African-American, 0.0013%; no homozygotes.

Submission:

Labcorp Genetics (formerly Invitae), Labcorp
Classification: Uncertain significance for Temtamy syndrome. Last evaluated: 2022-08-09. Review status: criteria provided, single submitter. Criteria: Invitae Variant Classification Sherloc (09022015). Collection method: clinical testing. Allele origin: germline.
Comment: This sequence change replaces alanine, which is neutral and non-polar, with valine, which is neutral and non-polar, at codon 10 of the C12orf57 protein (p.Ala10Val). This variant is present in population databases (no rsID available, gnomAD 0.007%). This variant has not been reported in the literature in individuals affected with C12orf57-related conditions. ClinVar contains an entry for this variant (Variation ID: 966252). Algorithms developed to predict the effect of missense changes on protein structure and function are either unavailable or do not agree on the potential impact of this missense change (SIFT: "Deleterious"; PolyPhen-2: "Benign"; Align-GVGD: "Class C0"). In summary, the available evidence is currently insufficient to determine the role of this variant in disease. Therefore, it has been classified as a Variant of Uncertain Significance.